The following is an entry in ClinVar:

ClinVar aggregate classification (germline): Uncertain significance (1 of 4 stars; one submission).

Conditions:
Baller-Gerold syndrome (BGS). Also called: CRANIOSYNOSTOSIS WITH RADIAL DEFECTS. Identifiers: Orphanet 1225, MedGen C0265308, MONDO:0009039, OMIM 218600.

Allele frequency attached by ClinVar (database versions not stated): gnomAD 0.00001 and 0.00002; gnomAD exomes 0.00001; TOPMed 0.00001; ExAC 0.00003.
gnomAD v4.1: 35 of 1,573,984 alleles (0.0022%); highest among the groups gnomAD compares: East Asian, 0.08%; no homozygotes.

Submission:

Labcorp Genetics (formerly Invitae), Labcorp
Classification: Uncertain significance for Baller-Gerold syndrome. Last evaluated: 2025-11-03. Review status: criteria provided, single submitter. Criteria: Invitae Variant Classification Sherloc (09022015). Collection method: clinical testing. Allele origin: germline.
Comment: This sequence change replaces glutamine, which is neutral and polar, with histidine, which is basic and polar, at codon 884 of the RECQL4 protein (p.Gln884His). This variant is present in population databases (rs778275815, gnomAD 0.008%). This variant has not been reported in the literature in individuals affected with RECQL4-related conditions. ClinVar contains an entry for this variant (Variation ID: 459419). Invitae Evidence Modeling of protein sequence and biophysical properties (such as structural, functional, and spatial information, amino acid conservation, physicochemical variation, residue mobility, and thermodynamic stability) indicates that this missense variant is not expected to disrupt RECQL4 protein function with a negative predictive value of 80%. In summary, the available evidence is currently insufficient to determine the role of this variant in disease. Therefore, it has been classified as a Variant of Uncertain Significance.

NM_004260.4(RECQL4):c.2652G>C (p.Gln884His)

Gene: RECQL4 (RecQ like helicase 4; minus strand). Cytogenetic location: 8q24.3.
Variant type: single nucleotide variant.
Coding change: c.2652G>C on transcript NM_004260.4 (MANE Select); coding-DNA position 2652, G replaced by C.
Protein change: p.Gln884His; replaces glutamine 884 with histidine.
Molecular consequence: missense variant.
Genome position (GRCh38, 1-based): chr8:144,512,950, C>G on the plus strand (G>C on the coding strand, the complement: RECQL4 is on the minus strand). VCF-style: chr8-144512950-C-G. GRCh37 (hg19) VCF-style: chr8-145738333-C-G.
Other names: short protein forms Q884H.
Identifiers: ClinVar variation 459419 (VCV000459419.8), dbSNP rs778275815, ClinGen allele CA4948159.